The following is an entry in ClinVar:

NM_000069.3(CACNA1S):c.320C>T (p.Ala107Val)

Gene: CACNA1S (calcium voltage-gated channel subunit alpha1 S; minus strand). Cytogenetic location: 1q32.1.
Variant type: single nucleotide variant.
Coding change: c.320C>T on transcript NM_000069.3 (MANE Select); coding-DNA position 320, C replaced by T.
Protein change: p.Ala107Val; replaces alanine 107 with valine.
Molecular consequence: missense variant.
Genome position (GRCh38, 1-based): chr1:201,093,960, G>A on the plus strand (C>T on the coding strand, the complement: CACNA1S is on the minus strand). VCF-style: chr1-201093960-G-A. GRCh37 (hg19) VCF-style: chr1-201063088-G-A.
Other names: c.320C>T (NM_000069.2); short protein forms A107V.
Identifiers: ClinVar variation 2145074 (VCV002145074.5), dbSNP rs750714342, ClinGen allele CA079594.

ClinVar aggregate classification (germline): Uncertain significance. Review status: criteria provided, multiple submitters, no conflicts (2 of 4 stars). 4 submissions from 4 submitters: Uncertain significance (4). Last evaluated 2025-08-19.

Conditions:
Malignant hyperthermia, susceptibility to, 5 (MHS5). Also called: CACNA1S-Related Malignant Hyperthermia Susceptibility. Identifiers: Orphanet 423, MedGen C1866077, MONDO:0011163, OMIM 601887.
Thyrotoxic periodic paralysis, susceptibility to, 1 (TTPP1). Identifiers: Orphanet 79102, MedGen C2749982, MONDO:0008570, OMIM 188580.
Congenital myopathy 18. Also called: DIHYDROPYRIDINE RECEPTOR CONGENITAL MYOPATHY; DHPR CONGENITAL MYOPATHY; Myopathy, congenital, due to dihydropyridine receptor defect. Identifiers: MedGen C5830283, MONDO:0859514, OMIM 620246.
Hypokalemic periodic paralysis, type 1. Also called: HypoPP; Hypokalemic Periodic Paralysis Type 1 (AD). Identifiers: Orphanet 681, MedGen C3714580, MONDO:0042979, OMIM 170400.

Allele frequency attached by ClinVar (database versions not stated): gnomAD exomes below 0.00001; ExAC 0.00001; TOPMed 0.00002.
gnomAD v4.1: 5 of 1,614,180 alleles (0.00031%); highest among the groups gnomAD compares: Admixed American, 0.005%; no homozygotes.

Submissions (4):

Labcorp Genetics (formerly Invitae), Labcorp
Classification: Uncertain significance for Hypokalemic periodic paralysis, type 1; Malignant hyperthermia, susceptibility to, 5. Last evaluated: 2025-08-19. Review status: criteria provided, single submitter. Criteria: Invitae Variant Classification Sherloc (09022015). Collection method: clinical testing. Allele origin: germline.
Comment: This sequence change replaces alanine, which is neutral and non-polar, with valine, which is neutral and non-polar, at codon 107 of the CACNA1S protein (p.Ala107Val). This variant is present in population databases (rs750714342, gnomAD 0.009%). This variant has not been reported in the literature in individuals affected with CACNA1S-related conditions. ClinVar contains an entry for this variant (Variation ID: 2145074). Invitae Evidence Modeling of protein sequence and biophysical properties (such as structural, functional, and spatial information, amino acid conservation, physicochemical variation, residue mobility, and thermodynamic stability) has been performed for this missense variant. However, the output from this modeling did not meet the statistical confidence thresholds required to predict the impact of this variant on CACNA1S protein function. In summary, the available evidence is currently insufficient to determine the role of this variant in disease. Therefore, it has been classified as a Variant of Uncertain Significance.

GeneDx
Classification: Uncertain significance. Last evaluated: 2025-07-26. Review status: criteria provided, single submitter. Criteria: GeneDx Variant Classification Process June 2021. Collection method: clinical testing. Allele origin: germline. Affected: yes.
Comment: In silico analysis supports that this missense variant has a deleterious effect on protein structure/function; Has not been previously published as pathogenic or benign to our knowledge

Color Diagnostics, LLC DBA Color Health
Classification: Uncertain significance for Malignant hyperthermia, susceptibility to, 5. Last evaluated: 2025-05-25. Review status: criteria provided, single submitter. Criteria: ACMG Guidelines, 2015. Collection method: clinical testing. Allele origin: germline.
Comment: This missense variant replaces alanine with valine at codon 107 of the CACNA1S protein. Computational prediction suggests that this variant may have deleterious impact on protein structure and function. To our knowledge, functional studies have not been reported for this variant. This variant has not been reported in individuals affected with CACNA1S-related disorders in the literature. This variant has been identified in 5/251490 chromosomes in the general population by the Genome Aggregation Database (gnomAD). The available evidence is insufficient to determine the role of this variant in disease conclusively. Therefore, this variant is classified as a Variant of Uncertain Significance.

Fulgent Genetics
Classification: Uncertain significance for Hypokalemic periodic paralysis, type 1; Thyrotoxic periodic paralysis, susceptibility to, 1; Malignant hyperthermia, susceptibility to, 5; Congenital myopathy 18. Last evaluated: 2024-03-20. Review status: criteria provided, single submitter. Criteria: ACMG Guidelines, 2015. Collection method: clinical testing. Allele origin: germline.